The following is an entry in ClinVar:

ClinVar aggregate classification (germline): Uncertain significance. Review status: criteria provided, multiple submitters, no conflicts (2 of 4 stars). 3 submissions from 3 submitters: Uncertain significance (3). Last evaluated 2025-02-04.

Allele frequency attached by ClinVar (database versions not stated): TOPMed 0.00001; gnomAD 0.00001; ExAC 0.00004; gnomAD exomes 0.00004.
gnomAD v4.1: 63 of 1,613,938 alleles (0.0039%); highest among the groups gnomAD compares: East Asian, 0.0067%; no homozygotes.

Submissions (3):

Dasa
Classification: Uncertain significance. Last evaluated: 2025-02-04. Review status: criteria provided, single submitter. Criteria: DASA Assertion Criteria. Collection method: clinical testing. Allele origin: germline.
Comment: NM_000350.3(ABCA4):c.5579G>A (p.Arg1860Gln) is a missense variant that results in the substitution of arginine with glutamine. This variant is rare in population databases. Computational prediction algorithms are consistent with a benign effect. The currently available literature and clinical evidence are not sufficient to establish a definitive association between this variant and the reported condition. Therefore, this variant is classified as a variant of uncertain significance.

Blueprint Genetics
Classification: Uncertain significance. Last evaluated: 2024-02-01. Review status: criteria provided, single submitter. Criteria: ACMG Guidelines, 2015. Collection method: clinical testing. Allele origin: germline.

Labcorp Genetics (formerly Invitae), Labcorp
Classification: Uncertain significance. Last evaluated: 2022-10-03. Review status: criteria provided, single submitter. Criteria: Invitae Variant Classification Sherloc (09022015). Collection method: clinical testing. Allele origin: germline.
Comment: This sequence change replaces arginine, which is basic and polar, with glutamine, which is neutral and polar, at codon 1860 of the ABCA4 protein (p.Arg1860Gln). This variant is present in population databases (rs761240030, gnomAD 0.008%). This variant has not been reported in the literature in individuals affected with ABCA4-related conditions. ClinVar contains an entry for this variant (Variation ID: 1010418). Algorithms developed to predict the effect of missense changes on protein structure and function output the following: SIFT: "Tolerated"; PolyPhen-2: "Benign"; Align-GVGD: "Class C0". The glutamine amino acid residue is found in multiple mammalian species, which suggests that this missense change does not adversely affect protein function. Algorithms developed to predict the effect of sequence changes on RNA splicing suggest that this variant may disrupt the consensus splice site. This variant disrupts the p.Arg1860 amino acid residue in ABCA4. Other variant(s) that disrupt this residue have been observed in individuals with ABCA4-related conditions (PMID: 28559085, 29925512), which suggests that this may be a clinically significant amino acid residue. In summary, the available evidence is currently insufficient to determine the role of this variant in disease. Therefore, it has been classified as a Variant of Uncertain Significance.

Literature cited by the submitters: PubMed 28559085 (cited by Labcorp Genetics (formerly Invitae), Labcorp); PubMed 29925512 (cited by Labcorp Genetics (formerly Invitae), Labcorp).

NM_000350.3(ABCA4):c.5579G>A (p.Arg1860Gln)

Gene: ABCA4 (ATP binding cassette subfamily A member 4; minus strand). Cytogenetic location: 1p22.1.
Variant type: single nucleotide variant.
Coding change: c.5579G>A on transcript NM_000350.3 (MANE Select); coding-DNA position 5579, G replaced by A.
Protein change: p.Arg1860Gln; replaces arginine 1860 with glutamine.
Molecular consequence: missense variant.
Genome position (GRCh38, 1-based): chr1:94,011,267, C>T on the plus strand (G>A on the coding strand, the complement: ABCA4 is on the minus strand). VCF-style: chr1-94011267-C-T. GRCh37 (hg19) VCF-style: chr1-94476823-C-T.
Other names: c.5357G>A, p.Arg1786Gln (NM_001425324.1); short protein forms R1860Q, R1786Q.
Identifiers: ClinVar variation 1010418 (VCV001010418.9), dbSNP rs761240030, ClinGen allele CA957220.
Genomic context (GRCh38, chr1:94,011,267, plus strand): 5'-CCCTCCCAGCTTTGGACCCAGGGCCCATGCTCCATGGGCCTCGGCTACCACCCACCAAAC[C>T]GGGCATAGACATCTGTCACAGCCTGGCTCAGTGCAAGGTCAATGAGGCCCCGGCCCAGGC-3'
Protein context (NP_000341.2, residues 1850-1870): LSQAVTDVYA[Arg1860Gln]FGEEHSANPF